The following is an entry in ClinVar:

NM_001378778.1(MPDZ):c.5037+5A>G

Gene: MPDZ (multiple PDZ domain crumbs cell polarity complex component; minus strand). Cytogenetic location: 9p23.
Variant type: single nucleotide variant.
Coding change: c.5037+5A>G on transcript NM_001378778.1 (MANE Select); 5 bases into the intron after coding-DNA position 5037, A replaced by G.
Molecular consequence: intron variant.
Genome position (GRCh38, 1-based): chr9:13,122,082, T>C on the plus strand (A>G on the coding strand, the complement: MPDZ is on the minus strand). VCF-style: chr9-13122082-T-C. GRCh37 (hg19) VCF-style: chr9-13122081-T-C.
Other names: c.4827+5A>G (NM_001375425.1, NM_001375420.1, NM_001375423.1 and 4 more transcripts); c.4938+5A>G (NM_001375419.1, NM_001375416.1, NM_001375418.1 and 3 more transcripts); c.5037+5A>G (NM_001330637.2, NM_003829.5); c.4629+5A>G (NM_001375427.1); c.5136+5A>G (NM_001375413.1).
Identifiers: ClinVar variation 1063932 (VCV001063932.6), dbSNP rs759737420, ClinGen allele CA4986477.
Genomic context (GRCh38, chr9:13,122,082, plus strand): 5'-AGAAACACTCCCCCCAGGAGCCTTTTCTCTGTTAATTTTGAAGGTCAAAAACAGGCATTC[T>C]ATACCTCTAAGATCTGATCTCCAGCCCAGAGTCTTCCATCTTTACATGCTGCTCCTTCTT-3'

ClinVar aggregate classification (germline): Uncertain significance (1 of 4 stars; one submission).

Allele frequency attached by ClinVar (database versions not stated): gnomAD exomes 0.00002 and 0.00003; TOPMed 0.00002; gnomAD 0.00003; ExAC 0.00005.
gnomAD v4.1: 33 of 1,613,688 alleles (0.002%); highest among the groups gnomAD compares: Non-Finnish European, 0.0028%; no homozygotes.

Submission:

Labcorp Genetics (formerly Invitae), Labcorp
Classification: Uncertain significance. Last evaluated: 2025-01-02. Review status: criteria provided, single submitter. Criteria: Invitae Variant Classification Sherloc (09022015). Collection method: clinical testing. Allele origin: germline.
Comment: This sequence change falls in intron 37 of the MPDZ gene. It does not directly change the encoded amino acid sequence of the MPDZ protein. It affects a nucleotide within the consensus splice site. This variant is present in population databases (rs759737420, gnomAD 0.006%). This variant has not been reported in the literature in individuals affected with MPDZ-related conditions. ClinVar contains an entry for this variant (Variation ID: 1063932). Variants that disrupt the consensus splice site are a relatively common cause of aberrant splicing (PMID: 17576681, 9536098). Algorithms developed to predict the effect of sequence changes on RNA splicing suggest that this variant is not likely to affect RNA splicing. In summary, the available evidence is currently insufficient to determine the role of this variant in disease. Therefore, it has been classified as a Variant of Uncertain Significance.

Literature cited by the submitters: PubMed 17576681; PubMed 9536098.